The following is an entry in ClinVar:

ClinVar aggregate classification (germline): Likely benign (0 of 4 stars; one submission).

Conditions:
DNHD1-related disorder. Also called: DNHD1-related condition.

Allele frequency attached by ClinVar (database versions not stated): TOPMed 0.00005; gnomAD 0.00006; 1000 Genomes Project 30x 0.00078; 1000 Genomes Project 0.00080.
gnomAD v4.1: 82 of 1,551,158 alleles (0.0053%); highest among the groups gnomAD compares: East Asian, 0.2%; no homozygotes.

Submission:

PreventionGenetics, part of Exact Sciences
Classification: Likely benign for DNHD1-related condition. Last evaluated: 2019-04-01. Review status: no assertion criteria provided. Collection method: clinical testing. Allele origin: germline.
Comment: This variant is classified as likely benign based on ACMG/AMP sequence variant interpretation guidelines (Richards et al. 2015 PMID: 25741868, with internal and published modifications).

NM_144666.3(DNHD1):c.2535G>A (p.Glu845=)

Gene: DNHD1 (dynein heavy chain domain 1; plus strand). Cytogenetic location: 11p15.4.
Variant type: single nucleotide variant.
Coding change: c.2535G>A on transcript NM_144666.3 (MANE Select); coding-DNA position 2535, G replaced by A.
Protein change: p.Glu845=; no amino-acid change (glutamic acid 845 retained).
Molecular consequence: synonymous variant.
Genome position (GRCh38, 1-based): chr11:6,533,710, G>A. VCF-style: chr11-6533710-G-A. GRCh37 (hg19) VCF-style: chr11-6554940-G-A.
Identifiers: ClinVar variation 3044653 (VCV003044653.2), dbSNP rs181497792, ClinGen allele CA217303444.